The following is an entry in ClinVar:

ClinVar aggregate classification (germline): Likely pathogenic. Review status: criteria provided, multiple submitters, no conflicts (2 of 4 stars). 4 submissions from 4 submitters: Likely pathogenic (2). 2 of the submissions do not count toward it. Last evaluated 2024-07-24.

Conditions:
Homocystinuria. Identifiers: MedGen C0019880, MONDO:0004737, HP:0002156.
Classic homocystinuria. Also called: Homocystinuria due to Cystathionine Beta-Synthase Deficiency; HOMOCYSTINURIA WITH OR WITHOUT RESPONSE TO PYRIDOXINE; Homocystinuria due to CBS deficiency; Cystathionine beta-synthase deficiency; CBS deficiency. Identifiers: Orphanet 394, MedGen C0751202, MONDO:0009352, OMIM 236200.
Homocystinuria, pyridoxine-responsive. Identifiers: MedGen C3502110.
HYPERHOMOCYSTEINEMIA, THROMBOTIC, CBS-RELATED. Identifiers: MedGen C3150344, OMIM 236200.

Allele frequency attached by ClinVar (database versions not stated): ExAC 0.00001; 1000 Genomes Project 0.00020.

Submissions (4):

Women's Health and Genetics/Laboratory Corporation of America, LabCorp
Classification: Likely pathogenic for Homocystinuria. Last evaluated: 2024-07-24. Review status: criteria provided, single submitter. Criteria: LabCorp Variant Classification Summary - May 2015. Collection method: clinical testing. Allele origin: germline.
Comment: Variant summary: CBS c.1616T>C (p.Leu539Ser) results in a non-conservative amino acid change located in the Cystathionine beta-synthase, C-terminal domain of the encoded protein sequence. Five of five in-silico tools predict a damaging effect of the variant on protein function. The variant was absent in 250168 control chromosomes (gnomAD). c.1616T>C has been reported in the literature in at least one individual affected with Homocystinuria (Aral_1997). These data indicate that the variant may be associated with disease. At least one publication reports experimental evidence evaluating an impact on protein function. The most pronounced variant effect results in <10% of normal activity (Kozich_2010, Melenovska_2015). The following publications have been ascertained in the context of this evaluation (PMID: 20506325, 25331909, 8990018). ClinVar contains an entry for this variant (Variation ID: 124). Based on the evidence outlined above, the variant was classified as likely pathogenic.

Labcorp Genetics (formerly Invitae), Labcorp
Classification: Likely pathogenic for HYPERHOMOCYSTEINEMIA, THROMBOTIC, CBS-RELATED. Last evaluated: 2024-01-22. Review status: criteria provided, single submitter. Criteria: Invitae Variant Classification Sherloc (09022015). Collection method: clinical testing. Allele origin: germline.
Comment: This sequence change replaces leucine, which is neutral and non-polar, with serine, which is neutral and polar, at codon 539 of the CBS protein (p.Leu539Ser). This variant is present in population databases (rs121964968, gnomAD 0.006%). This missense change has been observed in individual(s) with clinical features of homocystinuria due to CBS deficiency (PMID: 8990018). ClinVar contains an entry for this variant (Variation ID: 124). Advanced modeling of protein sequence and biophysical properties (such as structural, functional, and spatial information, amino acid conservation, physicochemical variation, residue mobility, and thermodynamic stability) performed at Invitae indicates that this missense variant is expected to disrupt CBS protein function with a positive predictive value of 95%. Experimental studies have shown that this missense change affects CBS function (PMID: 20506325). In summary, the currently available evidence indicates that the variant is pathogenic, but additional data are needed to prove that conclusively. Therefore, this variant has been classified as Likely Pathogenic.

Counsyl
Classification: Uncertain significance for Classic homocystinuria. Last evaluated: 2017-07-06. Review status: no assertion criteria provided. Collection method: clinical testing. Allele origin: unknown. Not counted in ClinVar's aggregate classification.

OMIM
Classification: Pathogenic for HOMOCYSTINURIA, PYRIDOXINE-RESPONSIVE. Last evaluated: 1997-01-01. Review status: no assertion criteria provided. Collection method: literature only. Allele origin: germline. Not counted in ClinVar's aggregate classification.

Literature cited by the submitters: PubMed 20506325 (cited by Women's Health and Genetics/Laboratory Corporation of America, LabCorp and Labcorp Genetics (formerly Invitae), Labcorp); PubMed 25331909 (cited by Women's Health and Genetics/Laboratory Corporation of America, LabCorp); PubMed 8990018 (cited by 3 submitters).

NM_000071.3(CBS):c.1616T>C (p.Leu539Ser)

Gene: CBS (cystathionine beta-synthase; minus strand). Cytogenetic location: 21q22.3.
Variant type: single nucleotide variant.
Coding change: c.1616T>C on transcript NM_000071.3 (MANE Select); coding-DNA position 1616, T replaced by C.
Protein change: p.Leu539Ser; replaces leucine 539 with serine.
Molecular consequence: missense variant.
Genome position (GRCh38, 1-based): chr21:43,053,920, A>G on the plus strand (T>C on the coding strand, the complement: CBS is on the minus strand). VCF-style: chr21-43053920-A-G. GRCh37 (hg19) VCF-style: chr21-44474030-A-G.
Other names: c.1616T>C, p.Leu539Ser (NM_001178008.3, NM_001178009.3, NM_001320298.2); c.1301T>C, p.Leu434Ser (NM_001321072.1); short protein forms L539S, L434S.
Identifiers: ClinVar variation 124 (VCV000000124.7), dbSNP rs121964968, ClinGen allele CA113889.
Genomic context (GRCh38, chr21:43,053,920, plus strand): 5'-ACCGCCCAGCGCTCCGGACTTCACTTCTGGTCCCGCTCCTGGGCGGCCACGAAGTTCAGC[A>G]AGTCAATGGCGGTGACCACCCCGAACACCATCTGCCGCTGACTGGACTTCCCGGTGCTGT-3'
Protein context (NP_000062.1, residues 529-549): MVFGVVTAID[Leu539Ser]LNFVAAQERD